The following is an entry in ClinVar:

NM_152743.4(BRAT1):c.872G>T (p.Gly291Val)

Gene: BRAT1 (BRCA1 associated ATM activator 1; minus strand). Cytogenetic location: 7p22.3.
Variant type: single nucleotide variant.
Coding change: c.872G>T on transcript NM_152743.4 (MANE Select); coding-DNA position 872, G replaced by T.
Protein change: p.Gly291Val; replaces glycine 291 with valine.
Molecular consequence: missense variant. On other transcripts: non-coding transcript variant (1).
Genome position (GRCh38, 1-based): chr7:2,543,255, C>A on the plus strand (G>T on the coding strand, the complement: BRAT1 is on the minus strand). VCF-style: chr7-2543255-C-A. GRCh37 (hg19) VCF-style: chr7-2582889-C-A.
Other names: c.872G>T, p.Gly291Val (NM_001350626.2); c.347G>T, p.Gly116Val (NM_001350627.2); short protein forms G116V, G291V.
Identifiers: ClinVar variation 1521903 (VCV001521903.5), dbSNP rs1779321531, ClinGen allele CA366631034.
Genomic context (GRCh38, chr7:2,543,255, plus strand): 5'-AGACCATACCAGTGCTCGAGCTTCAGGATCCCCAAAGCCAGGGGTCCCATGTGGGTGGGA[C>A]CCAGGCAGCTCAGAGCCCGCGCCACTGTCTCCCACAGGCTGCCGTCGGAAGAACTGAACA-3'
Protein context (NP_689956.2, residues 281-301): ETVARALSCL[Gly291Val]PTHMGPLALG

ClinVar aggregate classification (germline): Uncertain significance (1 of 4 stars; one submission).

Conditions:
Neonatal-onset encephalopathy with rigidity and seizures. Also called: Lethal neonatal spasticity-epileptic encephalopathy syndrome. Identifiers: Orphanet 435845, MedGen C3281029, MONDO:0013784, OMIM 614498.

Submission:

Labcorp Genetics (formerly Invitae), Labcorp
Classification: Uncertain significance for Neonatal-onset encephalopathy with rigidity and seizures. Last evaluated: 2021-09-02. Review status: criteria provided, single submitter. Criteria: Invitae Variant Classification Sherloc (09022015). Collection method: clinical testing. Allele origin: germline.
Comment: This sequence change replaces glycine with valine at codon 291 of the BRAT1 protein (p.Gly291Val). The glycine residue is weakly conserved and there is a moderate physicochemical difference between glycine and valine. This variant is not present in population databases (ExAC no frequency). This variant has not been reported in the literature in individuals affected with BRAT1-related conditions. Algorithms developed to predict the effect of missense changes on protein structure and function (SIFT, PolyPhen-2, Align-GVGD) all suggest that this variant is likely to be tolerated. In summary, the available evidence is currently insufficient to determine the role of this variant in disease. Therefore, it has been classified as a Variant of Uncertain Significance.